The following is an entry in ClinVar:

NM_001326342.2(CELF2):c.1034_1035del (p.Leu345fs)

Gene: CELF2 (CUGBP Elav-like family member 2; plus strand). Cytogenetic location: 10p14.
Variant type: Microsatellite.
Coding change: c.1034_1035del on transcript NM_001326342.2 (MANE Select); coding-DNA positions 1034 to 1035, 2 bases deleted (TC; older notation c.1034_1035delTC).
Protein change: p.Leu345fs; shifts the reading frame from leucine 345.
Molecular consequence: frameshift variant.
Genome position (GRCh38, 1-based): chr10:11,314,196-11,314,197, TC deleted; deleting any 2 consecutive bases within chr10:11,314,191-11,314,197 gives the same sequence; the c. name uses the placement nearest the transcript's 3' end. VCF-style (leftmost placement, unchanged base first): chr10-11314190-CCT-C. GRCh37 (hg19) VCF-style: chr10-11356153-CCT-C.
Other names: c.1049_1050del, p.Leu350fs (NM_001326326.2, NM_001326327.2); c.941_942del, p.Leu314fs (NM_001326328.2, NM_001326329.2, NM_001326330.2 and 15 more transcripts); c.1013_1014del, p.Leu338fs (NM_001326331.2, NM_001326332.2, NM_001326335.2 and 4 more transcripts); c.329_330del, p.Leu110fs (NM_001326333.2, NM_001326346.2); c.680_681del, p.Leu227fs (NM_001326338.2, NM_001326339.2); c.1034_1035del, p.Leu345fs (NM_001326340.2, NM_001326341.2, NM_001326343.2 and 4 more transcripts); c.1106_1107del, p.Leu369fs (NM_001326325.2); c.965_966del, p.Leu322fs (NM_001326347.1); short protein forms L227fs, L350fs, L369fs, L314fs, L322fs, L110fs, L338fs, L345fs.
Identifiers: ClinVar variation 4225186 (VCV004225186.1).

ClinVar aggregate classification (germline): Uncertain significance (1 of 4 stars; one submission).

Submission:

Ambry Genetics
Classification: Uncertain significance. Last evaluated: 2025-07-08. Review status: criteria provided, single submitter. Criteria: Ambry Variant Classification Scheme 2023. Collection method: clinical testing. Allele origin: germline.
Comment: The c.1034_1035delTC (p.L345Rfs*15) alteration, located in exon 10 (coding exon 10) of the CELF2 gene, consists of a deletion of 2 nucleotides from position 1034 to 1035, causing a translational frameshift with a predicted alternate stop codon after 15 amino acids. This alteration is expected to result in loss of function by premature protein truncation or nonsense-mediated mRNA decay. However, loss of function of CELF2 has not been established as a mechanism of disease. This variant was not reported in population-based cohorts in the Genome Aggregation Database (gnomAD). Based on insufficient or conflicting evidence, the clinical significance of this alteration remains unclear.